The following is an entry in ClinVar:

ClinVar aggregate classification (germline): Pathogenic (1 of 4 stars; one submission).

Conditions:
Brain small vessel disease 1 with or without ocular anomalies (BSVD1). Also called: GOULD SYNDROME 1; BRAIN SMALL VESSEL DISEASE WITH HEMORRHAGE; PORENCEPHALY, TYPE 1, AUTOSOMAL DOMINANT; Brain small vessel disease with or without ocular anomalies. Identifiers: Orphanet 2940, Orphanet 36383, Orphanet 99810, MedGen C4755307, MONDO:0008289, OMIM 175780.

Submission:

Institute of Human Genetics, University of Leipzig Medical Center
Classification: Pathogenic for Brain small vessel disease 1 with or without ocular anomalies. Last evaluated: 2025-12-02. Review status: criteria provided, single submitter. Criteria: ACMG Guidelines, 2015. Collection method: clinical testing. Allele origin: unknown. Inheritance: Autosomal dominant inheritance. Affected: yes.
Comment: Criteria applied: PVS1,PM2

NM_001845.6(COL4A1):c.144+1G>A

Gene: COL4A1 (collagen type IV alpha 1 chain; minus strand). Cytogenetic location: 13q34.
Variant type: single nucleotide variant.
Coding change: c.144+1G>A on transcript NM_001845.6 (MANE Select); the canonical splice donor site of the intron after coding-DNA position 144, G replaced by A.
Molecular consequence: splice donor variant.
Genome position (GRCh38, 1-based): chr13:110,242,674, C>T on the plus strand (G>A on the coding strand, the complement: COL4A1 is on the minus strand). VCF-style: chr13-110242674-C-T. GRCh37 (hg19) VCF-style: chr13-110895021-C-T.
Other names: c.144+1G>A (NM_001303110.2).
Identifiers: ClinVar variation 1297056 (VCV001297056.4), dbSNP rs2139245731, ClinGen allele CA388731341.